The following is an entry in ClinVar:

NM_003239.5(TGFB3):c.626G>C (p.Arg209Pro)

Gene: TGFB3 (transforming growth factor beta 3; minus strand). Cytogenetic location: 14q24.3.
Variant type: single nucleotide variant.
Coding change: c.626G>C on transcript NM_003239.5 (MANE Select); coding-DNA position 626, G replaced by C.
Protein change: p.Arg209Pro; replaces arginine 209 with proline.
Molecular consequence: missense variant.
Genome position (GRCh38, 1-based): chr14:75,971,146, C>G on the plus strand (G>C on the coding strand, the complement: TGFB3 is on the minus strand). VCF-style: chr14-75971146-C-G. GRCh37 (hg19) VCF-style: chr14-76437489-C-G.
Other names: c.626G>C, p.Arg209Pro (NM_001329938.2, NM_001329939.2); short protein forms R209P.
Identifiers: ClinVar variation 1752544 (VCV001752544.2), dbSNP rs779897294, ClinGen allele CA390469425.

ClinVar aggregate classification (germline): Uncertain significance (1 of 4 stars; one submission).

Conditions:
Familial thoracic aortic aneurysm and aortic dissection (TAAD). Also called: Thoracic aortic aneurysms and dissections. Identifiers: Orphanet 91387, MedGen C4707243, MONDO:0019625.

Submission:

Ambry Genetics
Classification: Uncertain significance for Familial thoracic aortic aneurysm and aortic dissection. Last evaluated: 2019-05-31. Review status: criteria provided, single submitter. Criteria: Ambry Variant Classification Scheme 2023. Collection method: clinical testing. Allele origin: germline.
Comment: The p.R209P variant (also known as c.626G>C), located in coding exon 3 of the TGFB3 gene, results from a G to C substitution at nucleotide position 626. The arginine at codon 209 is replaced by proline, an amino acid with dissimilar properties. This amino acid position is highly conserved in available vertebrate species. In addition, this alteration is predicted to be deleterious by in silico analysis. Since supporting evidence is limited at this time, the clinical significance of this alteration remains unclear.